The following is an entry in ClinVar:

ClinVar aggregate classification (germline): Likely benign. Review status: criteria provided, multiple submitters, no conflicts (2 of 4 stars). 3 submissions from 3 submitters: Likely benign (2). 1 of the submissions does not count toward it. Last evaluated 2024-05-28.

Conditions:
CHD2-related disorder. Also called: CHD2-related condition.
Developmental and epileptic encephalopathy 94 (DEE94). Also called: Epileptic encephalopathy, childhood-onset; CHD2-Related Neurodevelopmental Disorders. Identifiers: Orphanet 1942, Orphanet 2382, MedGen C3809278, MONDO:0014150, OMIM 615369.

Allele frequency attached by ClinVar (database versions not stated): gnomAD 0.00001; gnomAD exomes 0.00001; TOPMed 0.00002.
gnomAD v4.1: 9 of 1,613,998 alleles (0.00056%); highest among the groups gnomAD compares: Non-Finnish European, 0.00076%; no homozygotes.

Submissions (3):

Blueprint Genetics
Classification: Likely benign. Last evaluated: 2024-05-28. Review status: criteria provided, single submitter. Criteria: ACMG Guidelines, 2015. Collection method: clinical testing. Allele origin: germline.

Labcorp Genetics (formerly Invitae), Labcorp
Classification: Likely benign for Developmental and epileptic encephalopathy 94. Last evaluated: 2024-01-07. Review status: criteria provided, single submitter. Criteria: Invitae Variant Classification Sherloc (09022015). Collection method: clinical testing. Allele origin: germline.

PreventionGenetics, part of Exact Sciences
Classification: Likely benign for CHD2-related condition. Last evaluated: 2019-06-26. Review status: no assertion criteria provided. Collection method: clinical testing. Allele origin: germline. Not counted in ClinVar's aggregate classification.
Comment: This variant is classified as likely benign based on ACMG/AMP sequence variant interpretation guidelines (Richards et al. 2015 PMID: 25741868, with internal and published modifications).

NM_001271.4(CHD2):c.3303T>C (p.Ser1101=)

Gene: CHD2 (chromodomain helicase DNA binding protein 2; plus strand). Cytogenetic location: 15q26.1.
Variant type: single nucleotide variant.
Coding change: c.3303T>C on transcript NM_001271.4 (MANE Select); coding-DNA position 3303, T replaced by C.
Protein change: p.Ser1101=; no amino-acid change (serine 1101 retained).
Molecular consequence: synonymous variant.
Genome position (GRCh38, 1-based): chr15:92,985,563, T>C. VCF-style: chr15-92985563-T-C. GRCh37 (hg19) VCF-style: chr15-93528793-T-C.
Other names: c.3303T>C (NM_001271.3).
Identifiers: ClinVar variation 2916002 (VCV002916002.6), dbSNP rs1025509949, ClinGen allele CA274860160.